The following is an entry in ClinVar:

NM_014384.3(ACAD8):c.527C>G (p.Ala176Gly)

Gene: ACAD8 (acyl-CoA dehydrogenase family member 8; plus strand). Cytogenetic location: 11q25.
Variant type: single nucleotide variant.
Coding change: c.527C>G on transcript NM_014384.3 (MANE Select); coding-DNA position 527, C replaced by G.
Protein change: p.Ala176Gly; replaces alanine 176 with glycine.
Molecular consequence: missense variant.
Genome position (GRCh38, 1-based): chr11:134,259,044, C>G. VCF-style: chr11-134259044-C-G. GRCh37 (hg19) VCF-style: chr11-134128938-C-G.
Other names: short protein forms A176G.
Identifiers: ClinVar variation 955413 (VCV000955413.10), dbSNP rs1288285713, ClinGen allele CA383515910.

ClinVar aggregate classification (germline): Uncertain significance (1 of 4 stars; one submission).

Conditions:
Deficiency of isobutyryl-CoA dehydrogenase. Also called: ACAD8 DEFICIENCY; IBD DEFICIENCY; ACYL-CoA DEHYDROGENASE FAMILY, MEMBER 8, DEFICIENCY OF. Identifiers: Orphanet 79159, MedGen C1969809, MONDO:0012648, OMIM 611283.

Allele frequency attached by ClinVar (database versions not stated): gnomAD exomes below 0.00001 and 0.00001; gnomAD 0.00001; TOPMed 0.00001.

Submission:

Labcorp Genetics (formerly Invitae), Labcorp
Classification: Uncertain significance for Deficiency of isobutyryl-CoA dehydrogenase. Last evaluated: 2019-08-22. Review status: criteria provided, single submitter. Criteria: Invitae Variant Classification Sherloc (09022015). Collection method: clinical testing. Allele origin: germline.
Comment: This sequence change replaces alanine with glycine at codon 176 of the ACAD8 protein (p.Ala176Gly). The alanine residue is highly conserved and there is a small physicochemical difference between alanine and glycine. Algorithms developed to predict the effect of sequence changes on RNA splicing suggest that this variant may create or strengthen a splice site, but this prediction has not been confirmed by published transcriptional studies. In summary, the available evidence is currently insufficient to determine the role of this variant in disease. Therefore, it has been classified as a Variant of Uncertain Significance. This variant is not present in population databases (ExAC no frequency). This variant has not been reported in the literature in individuals with ACAD8-related conditions. Algorithms developed to predict the effect of missense changes on protein structure and function are either unavailable or do not agree on the potential impact of this missense change (SIFT: "Deleterious"; PolyPhen-2: "Probably Damaging"; Align-GVGD: "Class C0").